The following is an entry in ClinVar:

ClinVar aggregate classification (germline): Uncertain significance (1 of 4 stars; one submission).

Conditions:
Autosomal recessive spinocerebellar ataxia 12. Also called: SPINOCEREBELLAR ATAXIA WITH MENTAL RETARDATION AND EPILEPSY. Identifiers: Orphanet 284282, MedGen C3280452, MONDO:0013687, OMIM 614322.
Developmental and epileptic encephalopathy, 1 (DEE1). Also called: X-linked infantile spasms; West's syndrome; Tonic spasms with clustering, arrest of psychomotor development and hypsarrhythmia on EEG; X-Linked Infantile Spasm Syndrome; OHTAHARA SYNDROME, X-LINKED; INFANTILE SPASM SYNDROME, X-LINKED 1. Identifiers: MedGen C3463992, MONDO:0010632, OMIM 308350. Disease mechanism: loss of function.

Submission:

Labcorp Genetics (formerly Invitae), Labcorp
Classification: Uncertain significance for Developmental and epileptic encephalopathy, 1; Autosomal recessive spinocerebellar ataxia 12. Last evaluated: 2020-08-11. Review status: criteria provided, single submitter. Criteria: Invitae Variant Classification Sherloc (09022015). Collection method: clinical testing. Allele origin: germline.
Comment: This variant results in a copy number gain of the genomic region encompassing exon(s) 1-8 of the WWOX gene, which includes the initiator codon. The 5' end of this event is unknown as it extends beyond the assayed region for this gene and therefore may encompass additional genes. The 3' boundary is likely confined to intron 8 of the WWOX gene. As the precise location of this event is unknown, it may be in tandem or it may be located elsewhere in the genome. This variant has not been reported in the literature in individuals with WWOX-related conditions. In summary, the available evidence is currently insufficient to determine the role of this variant in disease. Therefore, it has been classified as a Variant of Uncertain Significance.

NC_000016.9:g.(?_78133671)_(78466659_?)dup

Gene: WWOX (WW domain containing oxidoreductase; plus strand). Cytogenetic location: 16q23.1.
Variant type: Duplication.
Identifiers: ClinVar variation 1008077 (VCV001008077.1).